The following is an entry in ClinVar:

ClinVar aggregate classification (germline): Uncertain significance (1 of 4 stars; one submission).

Conditions:
Cardiovascular phenotype. Identifiers: MedGen CN230736.

Submission:

Molecular Diagnostic Laboratory for Inherited Cardiovascular Disease, Montreal Heart Institute
Classification: Uncertain significance for Cardiovascular phenotype. Last evaluated: 2025-04-09. Review status: criteria provided, single submitter. Criteria: ACMG Guidelines, 2015. Collection method: clinical testing. Allele origin: germline. Affected: yes.
Comment: PM2, PP2, PP3

NM_002880.4(RAF1):c.227T>G (p.Met76Arg)

Gene: RAF1 (Raf-1 proto-oncogene, serine/threonine kinase; minus strand). Cytogenetic location: 3p25.2.
Variant type: single nucleotide variant.
Coding change: c.227T>G on transcript NM_002880.4 (MANE Select); coding-DNA position 227, T replaced by G.
Protein change: p.Met76Arg; replaces methionine 76 with arginine.
Molecular consequence: missense variant. On other transcripts: non-coding transcript variant (3), intron variant (4).
Genome position (GRCh38, 1-based): chr3:12,612,043, A>C on the plus strand (T>G on the coding strand, the complement: RAF1 is on the minus strand). VCF-style: chr3-12612043-A-C. GRCh37 (hg19) VCF-style: chr3-12653542-A-C.
Other names: c.227T>G, p.Met76Arg (NM_001354689.3, NM_001354690.3, NM_001354693.3); c.78-2708T>G (NM_001354695.3, NM_001354692.3, NM_001354694.3 and 1 more transcripts); short protein forms M76R.
Identifiers: ClinVar variation 3895220 (VCV003895220.1).